The following is an entry in ClinVar:

ClinVar aggregate classification (germline): Benign/Likely benign. Review status: criteria provided, multiple submitters, no conflicts (2 of 4 stars). 2 submissions from 2 submitters: Benign (1); Likely benign (1). Last evaluated 2026-09-14.

Conditions:
Colorectal cancer, hereditary nonpolyposis, type 7. Identifiers: Orphanet 144, MedGen C1858380, MONDO:0013725, OMIM 614385.

Allele frequency attached by ClinVar (database versions not stated): TOPMed below 0.00001; gnomAD 0.00001; gnomAD exomes 0.00001.
gnomAD v4.1: 4 of 1,614,110 alleles (0.00025%); highest among the groups gnomAD compares: Non-Finnish European, 0.00034%; no homozygotes.

Submissions (2):

Myriad Genetics, Inc.
Classification: Benign for Colorectal cancer, hereditary nonpolyposis, type 7. Last evaluated: 2026-09-14. Review status: criteria provided, single submitter. Criteria: Myriad Autosomal Dominant, Autosomal Recessive and X-Linked Classification Criteria (2023). Collection method: clinical testing. Allele origin: unknown.
Comment: This variant is considered benign. This variant is a silent/synonymous amino acid change and it is not expected to impact splicing.

Ambry Genetics
Classification: Likely benign. Last evaluated: 2022-05-01. Review status: criteria provided, single submitter. Criteria: Ambry Variant Classification Scheme 2023. Collection method: clinical testing. Allele origin: germline.

NM_001040108.2(MLH3):c.969A>G (p.Pro323=)

Gene: MLH3 (mutL homolog 3; minus strand). Cytogenetic location: 14q24.3.
Variant type: single nucleotide variant.
Coding change: c.969A>G on transcript NM_001040108.2 (MANE Select); coding-DNA position 969, A replaced by G.
Protein change: p.Pro323=; no amino-acid change (proline 323 retained).
Molecular consequence: synonymous variant.
Genome position (GRCh38, 1-based): chr14:75,048,687, T>C on the plus strand (A>G on the coding strand, the complement: MLH3 is on the minus strand). VCF-style: chr14-75048687-T-C. GRCh37 (hg19) VCF-style: chr14-75515390-T-C.
Other names: c.969A>G, p.Pro323= (NM_014381.3).
Identifiers: ClinVar variation 1767825 (VCV001767825.3), dbSNP rs1334565528, ClinGen allele CA487274118.